The following is an entry in ClinVar:

Conditions:
Breast-ovarian cancer, familial, susceptibility to, 1 (BROVCA1). Also called: BRCA1 Hereditary Breast and Ovarian Cancer; OVARIAN CANCER, SUSCEPTIBILITY TO. Identifiers: Orphanet 145, MedGen C2676676, MONDO:0011450, OMIM 604370. Disease mechanism: loss of function.

Submission:

Brotman Baty Institute, University of Washington
No classification provided (evidence only). Condition: Breast-ovarian cancer, familial 1. Review status: no classification provided. Collection method: in vitro. Allele origin: not applicable. Functional consequence: functionally_normal.
ClinVar note: "not provided" was previously submitted as the classification for the variant. However, the classification appeared to be based only on an observation of functional data so it was converted to no classification on 2025-07-30.

NM_007294.4(BRCA1):c.5194-5T>A

Gene: BRCA1 (BRCA1 DNA repair associated; minus strand). Cytogenetic location: 17q21.31.
Variant type: single nucleotide variant.
Coding change: c.5194-5T>A on transcript NM_007294.4 (MANE Select); 5 bases into the intron before coding-DNA position 5194, T replaced by A.
Molecular consequence: intron variant.
Genome position (GRCh38, 1-based): chr17:43,057,140, A>T on the plus strand (T>A on the coding strand, the complement: BRCA1 is on the minus strand). VCF-style: chr17-43057140-A-T. GRCh37 (hg19) VCF-style: chr17-41209157-A-T.
Other names: c.5053-5T>A (NM_001407727.1, NM_001407724.1, NM_001407697.1 and 13 more transcripts); c.4981-5T>A (NM_001407896.1, NM_001407900.1, NM_001407571.1 and 12 more transcripts); c.4858-5T>A (NM_001407952.1, NM_001407950.1, NM_001407953.1 and 3 more transcripts); c.5047-5T>A (NM_001407841.1, NM_001407838.1, NM_001407848.1 and 12 more transcripts); c.4987-5T>A (NM_001407874.1, NM_001407875.1); c.1804-5T>A (NM_001408416.1, NM_001408414.1, NM_001408415.1 and 2 more transcripts); c.4861-5T>A (NM_001407948.1, NM_001407947.1, NM_001407949.1 and 1 more transcripts); c.1672-5T>A (NM_001408484.1, NM_001408485.1, NM_001408483.1 and 5 more transcripts); and 72 more.
Identifiers: ClinVar variation 868166 (VCV000868166.3), dbSNP rs2051532726, ClinGen allele CA916081190.